The following is an entry in ClinVar:

ClinVar aggregate classification (germline): Pathogenic (1 of 4 stars; one submission).

Conditions:
Anophthalmia-microphthalmia syndrome. Also called: Anophthalmia/Microphthalmia; Anophthalmia - microphthalmia. Identifiers: Orphanet 98555, MedGen C5680330, MONDO:0020147.

Submission:

Labcorp Genetics (formerly Invitae), Labcorp
Classification: Pathogenic for Anophthalmia-microphthalmia syndrome. Last evaluated: 2019-12-05. Review status: criteria provided, single submitter. Criteria: Invitae Variant Classification Sherloc (09022015). Collection method: clinical testing. Allele origin: germline.
Comment: For these reasons, this variant has been classified as Pathogenic. This variant disrupts the C-terminus of the OTX2 protein. Other variant(s) that disrupt this region (p.Ser203*) have been determined to be pathogenic (Invitae). This suggests that variants that disrupt this region of the protein are likely to be causative of disease. This variant has not been reported in the literature in individuals with OTX2-related conditions. This variant is not present in population databases (ExAC no frequency). This sequence change results in a premature translational stop signal in the OTX2 gene (p.Gly191Alafs*15). While this is not anticipated to result in nonsense mediated decay, it is expected to disrupt the last 99 amino acids of the OTX2 protein.

NM_021728.4(OTX2):c.596del (p.Gly199fs)

Gene: OTX2 (orthodenticle homeobox 2; minus strand). Cytogenetic location: 14q22.3.
Variant type: Deletion.
Coding change: c.596del on transcript NM_021728.4 (MANE Select); coding-DNA position 596, one base deleted (G; older notation c.596delG).
Protein change: p.Gly199fs; shifts the reading frame from glycine 199.
Molecular consequence: frameshift variant. On other transcripts: non-coding transcript variant (2).
Genome position (GRCh38, 1-based): chr14:56,802,033, C deleted on the plus strand (G on the coding strand, the reverse complement: OTX2 is on the minus strand); the first of 2 consecutive C bases (chr14:56,802,033-56,802,034); deleting either gives the same sequence. VCF-style (leftmost placement, unchanged base first): chr14-56802032-GC-G. GRCh37 (hg19) VCF-style: chr14-57268750-GC-G.
Other names: c.572del, p.Gly191fs (NM_001270523.2, NM_001270524.2, NM_172337.3); c.596del, p.Gly199fs (NM_001270525.2); short protein forms G199fs, G191fs.
Identifiers: ClinVar variation 842588 (VCV000842588.10), dbSNP rs1891902224, ClinGen allele CA916083374.
Genomic context (GRCh38, chr14:56,802,032, plus strand): 5'-CTGGTGATGCATAGGGGTCAAATATGATCCACAGTCCATGCCCCCAAAGTAGGAAGTTGA[GC>G]CAGCATATCCTTGACTATAACCTGAAGCCTGAGTATAGGTCATGGGATAGGACCTCTGCA-3'